The following is an entry in ClinVar:

ClinVar aggregate classification (germline): Uncertain significance (1 of 4 stars; one submission).

Submission:

Labcorp Genetics (formerly Invitae), Labcorp
Classification: Uncertain significance. Last evaluated: 2024-02-23. Review status: criteria provided, single submitter. Criteria: Invitae Variant Classification Sherloc (09022015). Collection method: clinical testing. Allele origin: germline.
Comment: This variant, c.377_378insTGCCGCCGC, results in the insertion of 3 amino acid(s) of the MNX1 protein (p.Ala132_Ala134dup), but otherwise preserves the integrity of the reading frame. The frequency data for this variant in the population databases is considered unreliable, as metrics indicate insufficient coverage at this position in the gnomAD database. This variant has not been reported in the literature in individuals affected with MNX1-related conditions. Experimental studies and prediction algorithms are not available or were not evaluated, and the functional significance of this variant is currently unknown. In summary, the available evidence is currently insufficient to determine the role of this variant in disease. Therefore, it has been classified as a Variant of Uncertain Significance.

NM_005515.4(MNX1):c.377_378insTGCCGCCGC (p.Ala134_Gly135insAlaAlaAla)

Gene: MNX1 (motor neuron and pancreas homeobox 1; minus strand). Cytogenetic location: 7q36.3.
Variant type: Microsatellite.
Coding change: c.377_378insTGCCGCCGC on transcript NM_005515.4 (MANE Select); coding-DNA positions 377 to 378, TGCCGCCGC inserted.
Protein change: p.Ala134_Gly135insAlaAlaAla.
Genome position: GRCh38 VCF-style: chr7-157009973-G-GGCGGCGGCA. GRCh37 (hg19) VCF-style: chr7-156802667-G-GGCGGCGGCA.
Identifiers: ClinVar variation 3675394 (VCV003675394.2).